The following is an entry in ClinVar:

ClinVar aggregate classification (germline): Uncertain significance. Review status: criteria provided, multiple submitters, no conflicts (2 of 4 stars). 2 submissions from 2 submitters: Uncertain significance (2). Last evaluated 2025-12-01.

Conditions:
Myoclonic dystonia 11 (DYT11). Also called: DYT-SGCE; Myoclonic dystonia; SGCE Myoclonus-Dystonia; Myoclonus-Dystonia; Dystonia 11; Dystonia, alcohol responsive. Identifiers: Orphanet 36899, MedGen C1834570, MONDO:0008044, OMIM 159900.

Allele frequency attached by ClinVar (database versions not stated): ExAC 0.00004; gnomAD 0.00006 and 0.00007; gnomAD exomes 0.00006; TOPMed 0.00009; 1000 Genomes Project 30x 0.00016; 1000 Genomes Project 0.00020.
gnomAD v4.1: 80 of 1,602,254 alleles (0.005%); highest among the groups gnomAD compares: Admixed American, 0.037%; no homozygotes.

Submissions (2):

CeGaT Center for Human Genetics Tuebingen
Classification: Uncertain significance. Last evaluated: 2025-12-01. Review status: criteria provided, single submitter. Criteria: CeGaT Center For Human Genetics Tuebingen Variant Classification Criteria Version 2. Collection method: clinical testing. Allele origin: germline. Affected: yes. Observed: 2 variant alleles.
Comment: SGCE: PP3

Labcorp Genetics (formerly Invitae), Labcorp
Classification: Uncertain significance for Myoclonic dystonia 11. Last evaluated: 2025-04-25. Review status: criteria provided, single submitter. Criteria: Invitae Variant Classification Sherloc (09022015). Collection method: clinical testing. Allele origin: germline.
Comment: This sequence change replaces arginine, which is basic and polar, with cysteine, which is neutral and slightly polar, at codon 137 of the SGCE protein (p.Arg137Cys). This variant is present in population databases (rs557861177, gnomAD 0.04%), and has an allele count higher than expected for a pathogenic variant. This missense change has been observed in individual(s) with cranial dystonia (PMID: 35041927). ClinVar contains an entry for this variant (Variation ID: 464155). Invitae Evidence Modeling of protein sequence and biophysical properties (such as structural, functional, and spatial information, amino acid conservation, physicochemical variation, residue mobility, and thermodynamic stability) indicates that this missense variant is not expected to disrupt SGCE protein function with a negative predictive value of 80%. In summary, the available evidence is currently insufficient to determine the role of this variant in disease. Therefore, it has been classified as a Variant of Uncertain Significance.

Literature cited by the submitters: PubMed 35041927 (cited by Labcorp Genetics (formerly Invitae), Labcorp).

NM_003919.3(SGCE):c.409C>T (p.Arg137Cys)

Genes: CASD1 (CAS1 domain sialic acid O acetyltransferase 1; plus strand), SGCE (sarcoglycan epsilon; minus strand). Cytogenetic location: 7q21.3.
Variant type: single nucleotide variant.
Coding change: c.409C>T on transcript NM_003919.3 (MANE Select); coding-DNA position 409, C replaced by T.
Protein change: p.Arg137Cys; replaces arginine 137 with cysteine.
Molecular consequence: missense variant.
Genome position (GRCh38, 1-based): chr7:94,623,379, G>A on the plus strand (C>T on the coding strand, the complement: SGCE is on the minus strand). VCF-style: chr7-94623379-G-A. GRCh37 (hg19) VCF-style: chr7-94252691-G-A.
Other names: c.409C>T, p.Arg137Cys (NM_001099400.2, NM_001099401.2, NM_001346717.2); c.286C>T, p.Arg96Cys (NM_001301139.2, NM_001362809.2); c.517C>T, p.Arg173Cys (NM_001346713.2, NM_001346715.2); c.322C>T, p.Arg108Cys (NM_001346719.2, NM_001362807.2); c.136C>T, p.Arg46Cys (NM_001346720.2, NM_001362808.2); short protein forms R137C, R46C, R96C, R108C, R173C.
Identifiers: ClinVar variation 464155 (VCV000464155.22), dbSNP rs557861177, ClinGen allele CA4348812.
Genomic context (GRCh38, chr7:94,623,379, plus strand): 5'-ACCTACCTTCTGCAGACATTATATTAATTATCAAATTATGCCTTGCAGTCTCAAAGGTGC[G>A]CCTGTTGTAGGCAGTTATCTATTATAAAAGGAAAACCATATTAAAGAAGTGAAATGTTCT-3'
Protein context (NP_003910.1, residues 127-147): TIIEITAYNR[Arg137Cys]TFETARHNLI